The following is an entry in ClinVar:

ClinVar aggregate classification (germline): Uncertain significance. Review status: criteria provided, multiple submitters, no conflicts (2 of 4 stars). 2 submissions from 2 submitters: Uncertain significance (2). Last evaluated 2023-04-23.

Conditions:
Hereditary cancer-predisposing syndrome. Also called: Neoplastic Syndromes, Hereditary; Tumor predisposition; Hereditary Cancer Syndrome; Hereditary neoplastic syndrome. Identifiers: Orphanet 140162, MedGen C0027672, MeSH D009386, MONDO:0015356.
Carney complex, type 1 (CNC1). Also called: CARNEY MYXOMA-ENDOCRINE COMPLEX; CARNEY COMPLEX, TYPE I. Identifiers: Orphanet 1359, MedGen C2607929, MONDO:0008057, OMIM 160980.

Submissions (2):

Labcorp Genetics (formerly Invitae), Labcorp
Classification: Uncertain significance for Carney complex, type 1. Last evaluated: 2023-04-23. Review status: criteria provided, single submitter. Criteria: Invitae Variant Classification Sherloc (09022015). Collection method: clinical testing. Allele origin: germline.
Comment: In summary, the available evidence is currently insufficient to determine the role of this variant in disease. Therefore, it has been classified as a Variant of Uncertain Significance. Variants that disrupt the consensus splice site are a relatively common cause of aberrant splicing (PMID: 17576681, 9536098). Algorithms developed to predict the effect of sequence changes on RNA splicing suggest that this variant is not likely to affect RNA splicing. ClinVar contains an entry for this variant (Variation ID: 1757043). This variant has not been reported in the literature in individuals affected with PRKAR1A-related conditions. This variant is not present in population databases (gnomAD no frequency). This sequence change falls in intron 7 of the PRKAR1A gene. It does not directly change the encoded amino acid sequence of the PRKAR1A protein. It affects a nucleotide within the consensus splice site.

Ambry Genetics
Classification: Uncertain significance for Hereditary cancer-predisposing syndrome. Last evaluated: 2022-06-15. Review status: criteria provided, single submitter. Criteria: Ambry Variant Classification Scheme 2023. Collection method: clinical testing. Allele origin: germline.
Comment: The c.708+4dupA intronic variant results from a duplication of one nucleotide after coding exon 6 of the PRKAR1A gene. This nucleotide position is well conserved in available vertebrate species. In silico splice site analysis predicts that this alteration will not have any significant effect on splicing. Since supporting evidence is limited at this time, the clinical significance of this alteration remains unclear.

Literature cited by the submitters: PubMed 17576681 (cited by Labcorp Genetics (formerly Invitae), Labcorp); PubMed 9536098 (cited by Labcorp Genetics (formerly Invitae), Labcorp).

NM_002734.5(PRKAR1A):c.708+4dup

Gene: PRKAR1A (protein kinase cAMP-dependent type I regulatory subunit alpha; plus strand). Cytogenetic location: 17q24.2.
Variant type: Duplication.
Coding change: c.708+4dup on transcript NM_002734.5 (MANE Select); 4 bases into the intron after coding-DNA position 708, one base duplicated (A; older notation c.708+4dupA).
Molecular consequence: intron variant.
Genome position (GRCh38, 1-based): chr17:68,525,916, A duplicated; the last of 2 consecutive A bases (chr17:68,525,915-68,525,916); duplicating either gives the same sequence. VCF-style (leftmost placement, unchanged base first): chr17-68525914-T-TA. GRCh37 (hg19) VCF-style: chr17-66522055-T-TA.
Other names: c.708+4dup (NM_001278433.2, NM_001369389.1, NM_212471.3 and 4 more transcripts).
Identifiers: ClinVar variation 1757043 (VCV001757043.5), dbSNP rs2509419772, ClinGen allele CA2580095090.